The following is an entry in ClinVar:

NM_153006.3(NAGS):c.1302C>T (p.Pro434=)

Gene: NAGS (N-acetylglutamate synthase; plus strand). Cytogenetic location: 17q21.31.
Variant type: single nucleotide variant.
Coding change: c.1302C>T on transcript NM_153006.3 (MANE Select); coding-DNA position 1302, C replaced by T.
Protein change: p.Pro434=; no amino-acid change (proline 434 retained).
Molecular consequence: synonymous variant.
Genome position (GRCh38, 1-based): chr17:44,007,624, C>T. VCF-style: chr17-44007624-C-T. GRCh37 (hg19) VCF-style: chr17-42084992-C-T.
Identifiers: ClinVar variation 323450 (VCV000323450.45), dbSNP rs150004962, ClinGen allele CA8595374.

ClinVar aggregate classification (germline): Conflicting classifications of pathogenicity. Review status: criteria provided, conflicting classifications (1 of 4 stars). 8 submissions from 8 submitters: Uncertain significance (1); Likely benign (6). 1 of the submissions does not count toward it. Last evaluated 2026-01-20.

Conditions:
Hyperammonemia, type III (NAGSD). Also called: Hyperammonemia due to N-acetylglutamate synthase deficiency. Identifiers: Orphanet 927, MedGen C0268543, MONDO:0009377, OMIM 237310.

Allele frequency attached by ClinVar (database versions not stated): 1000 Genomes Project 30x 0.00031; 1000 Genomes Project 0.00040; gnomAD 0.00068 and 0.00075; TOPMed 0.00071; ESP Exome Variant Server 0.00077; gnomAD exomes 0.00101 and 0.00118; ExAC 0.00132.
gnomAD v4.1: 1,825 of 1,606,326 alleles (0.11%); highest among the groups gnomAD compares: South Asian, 0.23%; 5 homozygotes.

Submissions (8):

Labcorp Genetics (formerly Invitae), Labcorp
Classification: Likely benign for Hyperammonemia, type III. Last evaluated: 2026-01-20. Review status: criteria provided, single submitter. Criteria: Invitae Variant Classification Sherloc (09022015). Collection method: clinical testing. Allele origin: germline.

Blueprint Genetics
Classification: Likely benign. Last evaluated: 2024-11-19. Review status: criteria provided, single submitter. Criteria: ACMG Guidelines, 2015. Collection method: clinical testing. Allele origin: germline.

Women's Health and Genetics/Laboratory Corporation of America, LabCorp
Classification: Likely benign. Last evaluated: 2024-04-04. Review status: criteria provided, single submitter. Criteria: LabCorp Variant Classification Summary - May 2015. Collection method: clinical testing. Allele origin: germline.

CeGaT Center for Human Genetics Tuebingen
Classification: Likely benign. Last evaluated: 2022-11-01. Review status: criteria provided, single submitter. Criteria: CeGaT Center For Human Genetics Tuebingen Variant Classification Criteria Version 2. Collection method: clinical testing. Allele origin: germline. Affected: yes. Observed: 1 variant allele.
Comment: NAGS: BP4, BP7

Genome-Nilou Lab
Classification: Likely benign for Hyperammonemia, type III. Last evaluated: 2021-05-18. Review status: criteria provided, single submitter. Criteria: ACMG Guidelines, 2015. Collection method: clinical testing. Allele origin: germline. Affected: no.

Illumina Laboratory Services, Illumina
Classification: Uncertain significance for Hyperammonemia, type III. Last evaluated: 2018-01-13. Review status: criteria provided, single submitter. Criteria: ICSL Variant Classification Criteria 13 December 2019. Collection method: clinical testing. Allele origin: germline.

GeneDx
Classification: Likely benign. Last evaluated: 2016-03-02. Review status: criteria provided, single submitter. Criteria: GeneDx Variant Classification (06012015). Collection method: clinical testing. Allele origin: germline. Affected: yes.
Comment: This variant is considered likely benign or benign based on one or more of the following criteria: it is a conservative change, it occurs at a poorly conserved position in the protein, it is predicted to be benign by multiple in silico algorithms, and/or has population frequency not consistent with disease.

Natera, Inc.
Classification: Likely benign for Hyperammonemia type III. Last evaluated: 2020-09-16. Review status: no assertion criteria provided. Collection method: clinical testing. Allele origin: germline. Not counted in ClinVar's aggregate classification.